The following is an entry in ClinVar:

NM_001009944.3(PKD1):c.1096T>C (p.Ser366Pro)

Gene: PKD1 (polycystin 1, transient receptor potential channel interacting; minus strand). Cytogenetic location: 16p13.3.
Variant type: single nucleotide variant.
Coding change: c.1096T>C on transcript NM_001009944.3 (MANE Select); coding-DNA position 1096, T replaced by C.
Protein change: p.Ser366Pro; replaces serine 366 with proline.
Molecular consequence: missense variant.
Genome position (GRCh38, 1-based): chr16:2,117,896, A>G on the plus strand (T>C on the coding strand, the complement: PKD1 is on the minus strand). VCF-style: chr16-2117896-A-G. GRCh37 (hg19) VCF-style: chr16-2167897-A-G.
Other names: c.1096T>C, p.Ser366Pro (NM_000296.4); short protein forms S366P.
Identifiers: ClinVar variation 993932 (VCV000993932.8), dbSNP rs2092666416, ClinGen allele CA394393415.

ClinVar aggregate classification (germline): Uncertain significance (1 of 4 stars; one submission).

Conditions:
Polycystic kidney disease, adult type (PKD1). Also called: Polycystic Kidney Disease 1, Autosomal Dominant; Polycystic kidney disease 1; Polycystic kidney disease 1, severe; POLYCYSTIC KIDNEY DISEASE, ADULT, TYPE I; POLYCYSTIC KIDNEY DISEASE 1 WITH OR WITHOUT POLYCYSTIC LIVER DISEASE; Polycystic Kidney, Autosomal Dominant. Identifiers: MedGen C3149841, MONDO:0008263, OMIM 173900.

Allele frequency attached by ClinVar (database versions not stated): gnomAD exomes below 0.00001.
gnomAD v4.1: 2 of 1,180,404 alleles (0.00017%); highest among the groups gnomAD compares: Non-Finnish European, 0.00024%; no homozygotes.

Submission:

ARUP Laboratories, Molecular Genetics and Genomics, ARUP Laboratories
Classification: Uncertain significance for Polycystic kidney disease, adult type. Last evaluated: 2019-11-25. Review status: criteria provided, single submitter. Criteria: ARUP Molecular Germline Variant Investigation Process. Collection method: clinical testing. Allele origin: germline.
Comment: The PKD1 c.1096T>C; p.Ser366Pro variant, to our knowledge, is not reported in the medical literature or gene specific databases. This variant is also absent from general population databases (Exome Variant Server, Genome Aggregation Database), indicating it is not a common polymorphism. The serine at codon 366 is weakly conserved, and computational analyses (SIFT, PolyPhen-2) predict that this variant is tolerated. Due to limited information, the clinical significance of the p.Ser366Pro variant is uncertain at this time.